The following is an entry in ClinVar:

NM_000375.3(UROS):c.-26-197C>A

Gene: UROS (uroporphyrinogen III synthase; minus strand). Cytogenetic location: 10q26.2.
Variant type: single nucleotide variant.
Coding change: c.-26-197C>A on transcript NM_000375.3 (MANE Select); 197 bases into the intron before 26 bases upstream of the start codon, C replaced by A.
Molecular consequence: intron variant.
Genome position (GRCh38, 1-based): chr10:125,816,722, G>T on the plus strand (C>A on the coding strand, the complement: UROS is on the minus strand). VCF-style: chr10-125816722-G-T. GRCh37 (hg19) VCF-style: chr10-127505291-G-T.
Other names: -90C-A; c.-26-197C>A (NM_001324038.2, NM_001324037.2, NM_001324036.2 and 1 more transcripts).
Identifiers: ClinVar variation 3765 (VCV000003765.4), dbSNP rs397515351, ClinGen allele CA340124.

ClinVar aggregate classification (germline): Pathogenic. Review status: no assertion criteria provided (0 of 4 stars). 2 submissions from 2 submitters: Pathogenic (1). 1 of the submissions does not count toward it. Last evaluated 2001-03-01.

Conditions:
Congenital erythropoietic porphyria. Also called: UROPORPHYRINOGEN III SYNTHASE DEFICIENCY; Porphyria, Erythropoietic; Congenital porphyria; Günther disease; Uroporphyrinogen III synthase, deficiency of; Cutaneous porphyria. Identifiers: Orphanet 79277, MedGen C5886774, MONDO:0009902, OMIM 263700.

Submissions (2):

OMIM
Classification: Pathogenic for PORPHYRIA, CONGENITAL ERYTHROPOIETIC. Last evaluated: 2001-03-01. Review status: no assertion criteria provided. Collection method: literature only. Allele origin: germline.

GeneReviews
No classification provided. Condition: Congenital erythropoietic porphyria. Review status: no classification provided. Collection method: literature only. Allele origin: germline. Not counted in ClinVar's aggregate classification.
Comment: Pathogenic variants in the erythroid-specific promoter region 2

Literature cited by the submitters: PubMed 11254675 (cited by OMIM); NCBI Bookshelf NBK154652 (cited by GeneReviews).